The following is an entry in ClinVar:

NM_016169.4(SUFU):c.626A>T (p.His209Leu)

Gene: SUFU (SUFU negative regulator of hedgehog signaling; plus strand). Cytogenetic location: 10q24.32.
Variant type: single nucleotide variant.
Coding change: c.626A>T on transcript NM_016169.4 (MANE Select); coding-DNA position 626, A replaced by T.
Protein change: p.His209Leu; replaces histidine 209 with leucine.
Molecular consequence: missense variant.
Genome position (GRCh38, 1-based): chr10:102,593,664, A>T. VCF-style: chr10-102593664-A-T. GRCh37 (hg19) VCF-style: chr10-104353421-A-T.
Other names: c.626A>T, p.His209Leu (NM_001178133.2); short protein forms H209L.
Identifiers: ClinVar variation 3757423 (VCV003757423.2).

ClinVar aggregate classification (germline): Uncertain significance (1 of 4 stars; one submission).

Conditions:
Gorlin syndrome. Also called: Nevoid Basal Cell Carcinoma Syndrome; Basal cell nevus syndrome. Identifiers: Orphanet 377, MedGen C0004779, MONDO:0007187.
Medulloblastoma (MDB). Also called: Medulloblastoma, somatic; MEDULLOBLASTOMA PREDISPOSITION SYNDROME. Identifiers: Orphanet 616, MedGen C0025149, MeSH D008527, MONDO:0007959, OMIM 155255, HP:0002885.

Submission:

Labcorp Genetics (formerly Invitae), Labcorp
Classification: Uncertain significance for Gorlin syndrome; Medulloblastoma. Last evaluated: 2024-07-26. Review status: criteria provided, single submitter. Criteria: Invitae Variant Classification Sherloc (09022015). Collection method: clinical testing. Allele origin: germline.
Comment: This sequence change replaces histidine, which is basic and polar, with leucine, which is neutral and non-polar, at codon 209 of the SUFU protein (p.His209Leu). This variant is not present in population databases (gnomAD no frequency). This variant has not been reported in the literature in individuals affected with SUFU-related conditions. Advanced modeling of protein sequence and biophysical properties (such as structural, functional, and spatial information, amino acid conservation, physicochemical variation, residue mobility, and thermodynamic stability) performed at Invitae indicates that this missense variant is not expected to disrupt SUFU protein function with a negative predictive value of 80%. In summary, the available evidence is currently insufficient to determine the role of this variant in disease. Therefore, it has been classified as a Variant of Uncertain Significance.